The following is an entry in ClinVar:

ClinVar aggregate classification (germline): Uncertain significance (1 of 4 stars; one submission).

Conditions:
Mucopolysaccharidosis type 1. Also called: IDUA deficiency; MPS I. Identifiers: Orphanet 579, MedGen C0023786, MONDO:0001586.

Allele frequency attached by ClinVar (database versions not stated): gnomAD 0.00001; TOPMed 0.00001; ExAC 0.00002; gnomAD exomes 0.00002 and 0.00004; 1000 Genomes Project 30x 0.00016.
gnomAD v4.1: 28 of 1,610,732 alleles (0.0017%); highest among the groups gnomAD compares: East Asian, 0.02%; no homozygotes.

Submission:

Labcorp Genetics (formerly Invitae), Labcorp
Classification: Uncertain significance for Mucopolysaccharidosis type 1. Last evaluated: 2024-04-08. Review status: criteria provided, single submitter. Criteria: Invitae Variant Classification Sherloc (09022015). Collection method: clinical testing. Allele origin: germline.
Comment: This sequence change replaces proline, which is neutral and non-polar, with leucine, which is neutral and non-polar, at codon 650 of the IDUA protein (p.Pro650Leu). This variant is present in population databases (rs751132616, gnomAD 0.02%). This missense change has been observed in individual(s) with mucopolysaccharidoses (PMID: 30442156). ClinVar contains an entry for this variant (Variation ID: 1472284). Advanced modeling of protein sequence and biophysical properties (such as structural, functional, and spatial information, amino acid conservation, physicochemical variation, residue mobility, and thermodynamic stability) has been performed at Invitae for this missense variant, however the output from this modeling did not meet the statistical confidence thresholds required to predict the impact of this variant on IDUA protein function. In summary, the available evidence is currently insufficient to determine the role of this variant in disease. Therefore, it has been classified as a Variant of Uncertain Significance.

Literature cited by the submitters: PubMed 30442156.

NM_000203.5(IDUA):c.1949C>T (p.Pro650Leu)

Gene: IDUA (alpha-L-iduronidase; plus strand). Cytogenetic location: 4p16.3.
Variant type: single nucleotide variant.
Coding change: c.1949C>T on transcript NM_000203.5 (MANE Select); coding-DNA position 1949, C replaced by T.
Protein change: p.Pro650Leu; replaces proline 650 with leucine.
Molecular consequence: missense variant. On other transcripts: non-coding transcript variant (1).
Genome position (GRCh38, 1-based): chr4:1,004,380, C>T. VCF-style: chr4-1004380-C-T. GRCh37 (hg19) VCF-style: chr4-998168-C-T.
Other names: c.1553C>T, p.Pro518Leu (NM_001363576.1); short protein forms P518L, P650L.
Identifiers: ClinVar variation 1472284 (VCV001472284.6), dbSNP rs751132616, ClinGen allele CA2802484.